The following is an entry in ClinVar:

NM_002485.5(NBN):c.784T>A (p.Phe262Ile)

Gene: NBN (nibrin; minus strand). Cytogenetic location: 8q21.3.
Variant type: single nucleotide variant.
Coding change: c.784T>A on transcript NM_002485.5 (MANE Select); coding-DNA position 784, T replaced by A.
Protein change: p.Phe262Ile; replaces phenylalanine 262 with isoleucine.
Molecular consequence: missense variant.
Genome position (GRCh38, 1-based): chr8:89,970,476, A>T on the plus strand (T>A on the coding strand, the complement: NBN is on the minus strand). VCF-style: chr8-89970476-A-T. GRCh37 (hg19) VCF-style: chr8-90982704-A-T.
Other names: c.538T>A, p.Phe180Ile (NM_001024688.3); short protein forms F180I, F262I.
Identifiers: ClinVar variation 1760895 (VCV001760895.2), dbSNP rs2488310422, ClinGen allele CA371658660.

ClinVar aggregate classification (germline): Uncertain significance (1 of 4 stars; one submission).

Conditions:
Hereditary cancer-predisposing syndrome. Also called: Neoplastic Syndromes, Hereditary; Tumor predisposition; Hereditary Cancer Syndrome; Hereditary neoplastic syndrome. Identifiers: Orphanet 140162, MedGen C0027672, MeSH D009386, MONDO:0015356.

Submission:

Ambry Genetics
Classification: Uncertain significance for Hereditary cancer-predisposing syndrome. Last evaluated: 2020-08-19. Review status: criteria provided, single submitter. Criteria: Ambry Variant Classification Scheme 2023. Collection method: clinical testing. Allele origin: germline.
Comment: The p.F262I variant (also known as c.784T>A), located in coding exon 7 of the NBN gene, results from a T to A substitution at nucleotide position 784. The phenylalanine at codon 262 is replaced by isoleucine, an amino acid with highly similar properties. This amino acid position is not well conserved in available vertebrate species. In addition, this alteration is predicted to be tolerated by in silico analysis. Since supporting evidence is limited at this time, the clinical significance of this alteration remains unclear.